The following is an entry in ClinVar:

ClinVar aggregate classification (germline): Uncertain significance. Review status: criteria provided, multiple submitters, no conflicts (2 of 4 stars). 2 submissions from 2 submitters: Uncertain significance (2). Last evaluated 2025-11-13.

Conditions:
Primary erythromelalgia. Also called: SCN9A Erythromelalgia (SCN9A-EM); primary erythermalgia. Identifiers: Orphanet 306577, Orphanet 90026, MedGen C0014805, MONDO:0007571, OMIM 133020.
Neuropathy, hereditary sensory and autonomic, type 2A (HSAN2A). Also called: ACROOSTEOLYSIS, GIACCAI TYPE; ACROOSTEOLYSIS, NEUROGENIC; MORVAN DISEASE; NEUROPATHY, CONGENITAL SENSORY; NEUROPATHY, HEREDITARY SENSORY RADICULAR, AUTOSOMAL RECESSIVE; NEUROPATHY, HEREDITARY SENSORY, TYPE IIA. Identifiers: Orphanet 970, MedGen C2752089, MONDO:0024309, OMIM 201300.
Generalized epilepsy with febrile seizures plus, type 7 (GEFSP7). Also called: GEFS+, TYPE 7. Identifiers: Orphanet 36387, MedGen C2751778, MONDO:0013470, OMIM 613863.

Submissions (2):

3billion
Classification: Uncertain significance for Primary erythromelalgia. Last evaluated: 2025-11-13. Review status: criteria provided, single submitter. Criteria: ACMG Guidelines, 2015. Collection method: clinical testing. Allele origin: germline. Affected: yes.
Comment: The variant is not observed in the gnomAD v4.1.0 dataset. Predicted Consequence/Location: Missense variant. The majority of the known disease-causing variants of this gene are variants expected to result in premature termination of the protein. In silico tool predictions suggest damaging effect of the variant on gene or gene product [REVEL: 0.75 (>=0.6, sensitivity 0.68 and specificity 0.92)]. The variant has been reported as of uncertain significance (ClinVar ID: VCV001721283). Different missense changes at the same codon have been reported as of uncertain significance (ClinVar ID: VCV001474237, VCV002045615). Therefore, this variant is classified as VUS according to the recommendation of ACMG/AMP guideline.

Labcorp Genetics (formerly Invitae), Labcorp
Classification: Uncertain significance for Neuropathy, hereditary sensory and autonomic, type 2A; Generalized epilepsy with febrile seizures plus, type 7. Last evaluated: 2022-10-08. Review status: criteria provided, single submitter. Criteria: Invitae Variant Classification Sherloc (09022015). Collection method: clinical testing. Allele origin: germline.
Comment: In summary, the available evidence is currently insufficient to determine the role of this variant in disease. Therefore, it has been classified as a Variant of Uncertain Significance. Advanced modeling of protein sequence and biophysical properties (such as structural, functional, and spatial information, amino acid conservation, physicochemical variation, residue mobility, and thermodynamic stability) performed at Invitae indicates that this missense variant is not expected to disrupt SCN9A protein function. This variant has not been reported in the literature in individuals affected with SCN9A-related conditions. This variant is not present in population databases (gnomAD no frequency). This sequence change replaces isoleucine, which is neutral and non-polar, with methionine, which is neutral and non-polar, at codon 89 of the SCN9A protein (p.Ile89Met).

NM_001365536.1(SCN9A):c.267A>G (p.Ile89Met)

Gene: SCN9A (sodium voltage-gated channel alpha subunit 9; minus strand). Cytogenetic location: 2q24.3.
Variant type: single nucleotide variant.
Coding change: c.267A>G on transcript NM_001365536.1 (MANE Select); coding-DNA position 267, A replaced by G.
Protein change: p.Ile89Met; replaces isoleucine 89 with methionine.
Molecular consequence: missense variant.
Genome position (GRCh38, 1-based): chr2:166,307,066, T>C on the plus strand (A>G on the coding strand, the complement: SCN9A is on the minus strand). VCF-style: chr2-166307066-T-C. GRCh37 (hg19) VCF-style: chr2-167163576-T-C.
Other names: c.267A>G, p.Ile89Met (NM_002977.4); short protein forms I89M.
Identifiers: ClinVar variation 1721283 (VCV001721283.7), dbSNP rs200809157, ClinGen allele CA59809501.